The following is an entry in ClinVar:

ClinVar aggregate classification (germline): Uncertain significance. Review status: criteria provided, multiple submitters, no conflicts (2 of 4 stars). 2 submissions from 2 submitters: Uncertain significance (2). Last evaluated 2024-08-11.

Conditions:
Hereditary cancer-predisposing syndrome. Also called: Neoplastic Syndromes, Hereditary; Tumor predisposition; Hereditary Cancer Syndrome; Hereditary neoplastic syndrome. Identifiers: Orphanet 140162, MedGen C0027672, MeSH D009386, MONDO:0015356.
Rhabdoid tumor predisposition syndrome 2 (RTPS2). Identifiers: Orphanet 231108, Orphanet 69077, MedGen C2750074, MONDO:0013224, OMIM 613325.

Submissions (2):

Labcorp Genetics (formerly Invitae), Labcorp
Classification: Uncertain significance for Rhabdoid tumor predisposition syndrome 2. Last evaluated: 2024-08-11. Review status: criteria provided, single submitter. Criteria: Invitae Variant Classification Sherloc (09022015). Collection method: clinical testing. Allele origin: germline.
Comment: This sequence change replaces glycine, which is neutral and non-polar, with arginine, which is basic and polar, at codon 271 of the SMARCA4 protein (p.Gly271Arg). This variant is not present in population databases (gnomAD no frequency). This variant has not been reported in the literature in individuals affected with SMARCA4-related conditions. ClinVar contains an entry for this variant (Variation ID: 1762083). Advanced modeling of protein sequence and biophysical properties (such as structural, functional, and spatial information, amino acid conservation, physicochemical variation, residue mobility, and thermodynamic stability) has been performed at Invitae for this missense variant, however the output from this modeling did not meet the statistical confidence thresholds required to predict the impact of this variant on SMARCA4 protein function. In summary, the available evidence is currently insufficient to determine the role of this variant in disease. Therefore, it has been classified as a Variant of Uncertain Significance.

Ambry Genetics
Classification: Uncertain significance for Hereditary cancer-predisposing syndrome. Last evaluated: 2022-04-27. Review status: criteria provided, single submitter. Criteria: Ambry Variant Classification Scheme 2023. Collection method: clinical testing. Allele origin: germline.
Comment: The p.G271R variant (also known as c.811G>C), located in coding exon 4 of the SMARCA4 gene, results from a G to C substitution at nucleotide position 811. The glycine at codon 271 is replaced by arginine, an amino acid with dissimilar properties. This amino acid position is highly conserved in available vertebrate species. In addition, this alteration is predicted to be deleterious by in silico analysis. Missense and in-frame variants in SMARCA4 are known to cause neurodevelopmental disorders; however, such associations with rhabdoid tumor predisposition syndrome including small cell carcinoma of the ovary-hypercalcemic type (SCCOHT) are exceedingly rare (Kosho T et al. Am J Med Genet C Semin Med Genet. 2014 Sep;166C(3):262-75; Jelinic P et al. Nat Genet. 2014 May;46(5):424-6). Since supporting evidence is limited at this time, the clinical significance of this alteration remains unclear.

NM_003072.5(SMARCA4):c.811G>C (p.Gly271Arg)

Gene: SMARCA4 (SWI/SNF related BAF chromatin remodeling complex subunit ATPase 4; plus strand). Cytogenetic location: 19p13.2.
Variant type: single nucleotide variant.
Coding change: c.811G>C on transcript NM_003072.5 (MANE Select); coding-DNA position 811, G replaced by C.
Protein change: p.Gly271Arg; replaces glycine 271 with arginine.
Molecular consequence: missense variant. On other transcripts: non-coding transcript variant (1).
Genome position (GRCh38, 1-based): chr19:10,986,955, G>C. VCF-style: chr19-10986955-G-C. GRCh37 (hg19) VCF-style: chr19-11097631-G-C.
Other names: c.811G>C, p.Gly271Arg (NM_001128847.4, NM_001387283.1, NM_001128848.2 and 6 more transcripts); short protein forms G271R.
Identifiers: ClinVar variation 1762083 (VCV001762083.4), dbSNP rs769414440, ClinGen allele CA404058015.